The following is an entry in ClinVar:

NM_006579.3(EBP):c.242G>T (p.Gly81Val)

Gene: EBP (EBP cholestenol delta-isomerase; plus strand). Cytogenetic location: Xp11.23.
Variant type: single nucleotide variant.
Coding change: c.242G>T on transcript NM_006579.3 (MANE Select); coding-DNA position 242, G replaced by T.
Protein change: p.Gly81Val; replaces glycine 81 with valine.
Molecular consequence: missense variant.
Genome position (GRCh38, 1-based): chrX:48,524,013, G>T. VCF-style: chrX-48524013-G-T. GRCh37 (hg19) VCF-style: chrX-48382401-G-T.
Other names: short protein forms G81V.
Identifiers: ClinVar variation 3662459 (VCV003662459.2).
Genomic context (GRCh38, chrX:48,524,013, plus strand): 5'-GGCGGCGACTGTCCCTGTGCTGGTTTGCAGTGTGTGGGTTCATTCACCTGGTGATCGAGG[G>T]CTGGTTCGTTCTCTACTACGAAGACCTGCTTGGAGACCAAGCCTTCTTATCTCAACTCTG-3'
Protein context (NP_006570.1, residues 71-91): VCGFIHLVIE[Gly81Val]WFVLYYEDLL

ClinVar aggregate classification (germline): Uncertain significance (1 of 4 stars; one submission).

Submission:

Labcorp Genetics (formerly Invitae), Labcorp
Classification: Uncertain significance. Last evaluated: 2024-08-14. Review status: criteria provided, single submitter. Criteria: Invitae Variant Classification Sherloc (09022015). Collection method: clinical testing. Allele origin: germline.
Comment: This sequence change replaces glycine, which is neutral and non-polar, with valine, which is neutral and non-polar, at codon 81 of the EBP protein (p.Gly81Val). This variant is not present in population databases (gnomAD no frequency). This variant has not been reported in the literature in individuals affected with EBP-related conditions. Invitae Evidence Modeling of protein sequence and biophysical properties (such as structural, functional, and spatial information, amino acid conservation, physicochemical variation, residue mobility, and thermodynamic stability) indicates that this missense variant is expected to disrupt EBP protein function with a positive predictive value of 80%. In summary, the available evidence is currently insufficient to determine the role of this variant in disease. Therefore, it has been classified as a Variant of Uncertain Significance.